The following is an entry in ClinVar:

NM_015033.3(FNBP1):c.1194A>G (p.Thr398=)

Gene: FNBP1 (formin binding protein 1; minus strand). Cytogenetic location: 9q34.11.
Variant type: single nucleotide variant.
Coding change: c.1194A>G on transcript NM_015033.3 (MANE Select); coding-DNA position 1194, A replaced by G.
Protein change: p.Thr398=; no amino-acid change (threonine 398 retained).
Molecular consequence: synonymous variant.
Genome position (GRCh38, 1-based): chr9:129,908,991, T>C on the plus strand (A>G on the coding strand, the complement: FNBP1 is on the minus strand). VCF-style: chr9-129908991-T-C. GRCh37 (hg19) VCF-style: chr9-132671270-T-C.
Other names: c.1107A>G, p.Thr369= (NM_001363755.1); c.996A>G, p.Thr332= (NM_001411018.1).
Identifiers: ClinVar variation 2659579 (VCV002659579.24), dbSNP rs374120316, ClinGen allele CA5280502.

ClinVar aggregate classification (germline): Likely benign (1 of 4 stars; one submission).

Allele frequency attached by ClinVar (database versions not stated): TOPMed 0.00012; gnomAD exomes 0.00027; ExAC 0.00009; gnomAD 0.00010; ESP Exome Variant Server 0.00034.
gnomAD v4.1: 413 of 1,609,706 alleles (0.026%); highest among the groups gnomAD compares: Non-Finnish European, 0.033%; no homozygotes.

Submission:

CeGaT Center for Human Genetics Tuebingen
Classification: Likely benign. Last evaluated: 2022-09-01. Review status: criteria provided, single submitter. Criteria: CeGaT Center For Human Genetics Tuebingen Variant Classification Criteria Version 2. Collection method: clinical testing. Allele origin: germline. Affected: yes. Observed: 1 variant allele.
Comment: FNBP1: BP4, BP7